The following is an entry in ClinVar:

ClinVar aggregate classification (germline): Pathogenic (1 of 4 stars; one submission).

Conditions:
Cardiovascular phenotype. Identifiers: MedGen CN230736.

Submission:

Ambry Genetics
Classification: Pathogenic for Cardiovascular phenotype. Last evaluated: 2025-06-26. Review status: criteria provided, single submitter. Criteria: Ambry Variant Classification Scheme 2023. Collection method: clinical testing. Allele origin: germline.
Comment: The c.420dupG pathogenic mutation, located in coding exon 2 of the TNXB gene, results from a duplication of G at nucleotide position 420, causing a translational frameshift with a predicted alternate stop codon (p.T141Dfs*10). This variant is considered to be rare based on population cohorts in the Genome Aggregation Database (gnomAD). This alteration is expected to result in loss of function by premature protein truncation or nonsense-mediated mRNA decay. As such, this alteration is interpreted as a disease-causing mutation.

NM_001365276.2(TNXB):c.420dup (p.Thr141fs)

Gene: TNXB (tenascin XB; minus strand). Cytogenetic location: 6p21.33.
Variant type: Duplication.
Coding change: c.420dup on transcript NM_001365276.2 (MANE Select); coding-DNA position 420, one base duplicated (G; older notation c.420dupG).
Protein change: p.Thr141fs; shifts the reading frame from threonine 141.
Molecular consequence: frameshift variant.
Genome position (GRCh38, 1-based): chr6:32,097,433, C duplicated on the plus strand (G on the coding strand, the reverse complement: TNXB is on the minus strand); the first of 2 consecutive C bases (chr6:32,097,433-32,097,434); duplicating either gives the same sequence. VCF-style (leftmost placement, unchanged base first): chr6-32097432-T-TC. GRCh37 (hg19) VCF-style: chr6-32065209-T-TC.
Other names: c.420dup, p.Thr141fs (NM_001428335.1, NM_019105.8); short protein forms T141fs.
Identifiers: ClinVar variation 4188668 (VCV004188668.1).